The following is an entry in ClinVar:

NM_183050.4(BCKDHB):c.943A>G (p.Ile315Val)

Gene: BCKDHB (branched chain keto acid dehydrogenase E1 subunit beta; plus strand). Cytogenetic location: 6q14.1.
Variant type: single nucleotide variant.
Coding change: c.943A>G on transcript NM_183050.4 (MANE Select); coding-DNA position 943, A replaced by G.
Protein change: p.Ile315Val; replaces isoleucine 315 with valine.
Molecular consequence: missense variant. On other transcripts: non-coding transcript variant (1).
Genome position (GRCh38, 1-based): chr6:80,203,204, A>G. VCF-style: chr6-80203204-A-G. GRCh37 (hg19) VCF-style: chr6-80912921-A-G.
Other names: c.943A>G, p.Ile315Val (NM_000056.5); c.733A>G, p.Ile245Val (NM_001318975.1); c.943A>G (NM_183050.2); short protein forms I315V, I245V.
Identifiers: ClinVar variation 2080603 (VCV002080603.2), dbSNP rs1774481189, ClinGen allele CA364660319.
Genomic context (GRCh38, chr6:80,203,204, plus strand): 5'-CTTGGAGTGTCTTGTGAAGTCATTGATCTGAGGACTATAATACCTTGGGATGTGGACACA[A>G]TTTGTAAGGTATGAATATAATGGTGATAGAATGTCATTTCCCTGAAACCTTTGGCCAAAT-3'
Protein context (NP_898871.1, residues 305-325): RTIIPWDVDT[Ile315Val]CKSVIKTGRL

ClinVar aggregate classification (germline): Conflicting classifications of pathogenicity. Review status: criteria provided, conflicting classifications (1 of 4 stars). 2 submissions from 2 submitters: Uncertain significance (1); Likely benign (1). Last evaluated 2025-05-18.

Conditions:
Maple syrup urine disease (MSUD). Identifiers: Orphanet 511, MedGen C0024776, MeSH D008375, MONDO:0009563. Disease mechanism: loss of function.
Inborn genetic diseases. Identifiers: MedGen C0950123, MeSH D030342.

Allele frequency attached by ClinVar (database versions not stated): gnomAD exomes below 0.00001; TOPMed below 0.00001; gnomAD 0.00001.
gnomAD v4.1: 4 of 1,591,036 alleles (0.00025%); highest among the groups gnomAD compares: African/African-American, 0.004%; no homozygotes.

Submissions (2):

Ambry Genetics
Classification: Likely benign for Inborn genetic diseases. Last evaluated: 2025-05-18. Review status: criteria provided, single submitter. Criteria: Ambry Variant Classification Scheme 2023. Collection method: clinical testing. Allele origin: germline.

Labcorp Genetics (formerly Invitae), Labcorp
Classification: Uncertain significance for Maple syrup urine disease. Last evaluated: 2022-03-19. Review status: criteria provided, single submitter. Criteria: Invitae Variant Classification Sherloc (09022015). Collection method: clinical testing. Allele origin: germline.
Comment: This sequence change replaces isoleucine, which is neutral and non-polar, with valine, which is neutral and non-polar, at codon 315 of the BCKDHB protein (p.Ile315Val). This variant is not present in population databases (gnomAD no frequency). This variant has not been reported in the literature in individuals affected with BCKDHB-related conditions. Algorithms developed to predict the effect of missense changes on protein structure and function output the following: SIFT: "Tolerated"; PolyPhen-2: "Benign"; Align-GVGD: "Class C0". The valine amino acid residue is found in multiple mammalian species, which suggests that this missense change does not adversely affect protein function. Algorithms developed to predict the effect of sequence changes on RNA splicing suggest that this variant may create or strengthen a splice site. In summary, the available evidence is currently insufficient to determine the role of this variant in disease. Therefore, it has been classified as a Variant of Uncertain Significance.